The following is an entry in ClinVar:

ClinVar aggregate classification (germline): Uncertain significance (1 of 4 stars; one submission).

Submission:

GeneDx
Classification: Uncertain significance. Last evaluated: 2023-02-07. Review status: criteria provided, single submitter. Criteria: GeneDx Variant Classification Process June 2021. Collection method: clinical testing. Allele origin: germline. Affected: yes.
Comment: Not observed at significant frequency in large population cohorts (gnomAD); In silico analysis supports that this missense variant has a deleterious effect on protein structure/function; Has not been previously published as pathogenic or benign to our knowledge

NM_001190274.2(FBXO11):c.2365G>A (p.Ala789Thr)

Genes: FBXO11 (F-box protein 11; minus strand), MSH6 (mutS homolog 6; plus strand). Cytogenetic location: 2p16.3.
Variant type: single nucleotide variant.
Coding change: c.2365G>A on transcript NM_001190274.2 (MANE Select); coding-DNA position 2365, G replaced by A.
Protein change: p.Ala789Thr; replaces alanine 789 with threonine.
Molecular consequence: missense variant. On other transcripts: intron variant (6).
Genome position (GRCh38, 1-based): chr2:47,809,681, C>T on the plus strand (G>A on the coding strand, the complement: FBXO11 is on the minus strand). VCF-style: chr2-47809681-C-T. GRCh37 (hg19) VCF-style: chr2-48036820-C-T.
Other names: c.2113G>A, p.Ala705Thr (NM_001374325.1, NM_025133.4); c.*44-318C>T (NM_001406809.1); c.*41-318C>T (NM_001406796.1, NM_001406811.1, NM_001406805.1 and 2 more transcripts); short protein forms A705T, A789T.
Identifiers: ClinVar variation 2574766 (VCV002574766.1), dbSNP rs1273313586, ClinGen allele CA346762805.